The following is an entry in ClinVar:

ClinVar aggregate classification (germline): Pathogenic (1 of 4 stars; one submission).

Conditions:
Pulmonary fibrosis and/or bone marrow failure, Telomere-related, 3. Also called: PULMONARY FIBROSIS AND/OR BONE MARROW FAILURE SYNDROME, TELOMERE-RELATED, 3. Identifiers: Orphanet 2032, MedGen C4225346, MONDO:0014613, OMIM 616373.
Dyskeratosis congenita, autosomal recessive 5 (DKCB5). Identifiers: MedGen C3554656, MONDO:0014076, OMIM 615190.

Submission:

Labcorp Genetics (formerly Invitae), Labcorp
Classification: Pathogenic for Dyskeratosis congenita, autosomal recessive 5; Pulmonary fibrosis and/or bone marrow failure, Telomere-related, 3. Last evaluated: 2021-11-06. Review status: criteria provided, single submitter. Criteria: Invitae Variant Classification Sherloc (09022015). Collection method: clinical testing. Allele origin: germline.
Comment: This sequence change creates a premature translational stop signal (p.Gln1263*) in the RTEL1 gene. While this is not anticipated to result in nonsense mediated decay, it is expected to disrupt the last 38 amino acid(s) of the RTEL1 protein. This variant is not present in population databases (gnomAD no frequency). This variant has not been reported in the literature in individuals affected with RTEL1-related conditions. This variant disrupts a region of the RTEL1 protein in which other variant(s) (p.Arg1264His) have been determined to be pathogenic (PMID: 23453664, 24009516, 25047097, 25099625, 26025130). This suggests that this is a clinically significant region of the protein, and that variants that disrupt it are likely to be disease-causing. For these reasons, this variant has been classified as Pathogenic.

Literature cited by the submitters: PubMed 23453664; PubMed 24009516; PubMed 25047097; PubMed 25099625; PubMed 26025130.

NM_001283009.2(RTEL1):c.3787C>T (p.Gln1263Ter)

Genes: RTEL1 (regulator of telomere elongation helicase 1; plus strand), RTEL1-TNFRSF6B (RTEL1-TNFRSF6B readthrough (NMD candidate); plus strand). Cytogenetic location: 20q13.33.
Variant type: single nucleotide variant.
Coding change: c.3787C>T on transcript NM_001283009.2 (MANE Select); coding-DNA position 3787, C replaced by T.
Protein change: p.Gln1263Ter; replaces glutamine 1263 with a stop codon.
Molecular consequence: nonsense. On other transcripts: non-coding transcript variant (1), intron variant (3).
Genome position (GRCh38, 1-based): chr20:63,695,615, C>T. VCF-style: chr20-63695615-C-T. GRCh37 (hg19) VCF-style: chr20-62326968-C-T.
Other names: c.2983+135C>T (NM_001283010.1); c.3724+135C>T (NM_032957.5); c.3652+135C>T (NM_016434.4); short protein forms Q1263*.
Identifiers: ClinVar variation 1441224 (VCV001441224.6), dbSNP rs2145480992, ClinGen allele CA409710303.